The following is an entry in ClinVar:

NM_001378778.1(MPDZ):c.4322dup (p.Cys1442fs)

Gene: MPDZ (multiple PDZ domain crumbs cell polarity complex component; minus strand). Cytogenetic location: 9p23.
Variant type: Duplication.
Coding change: c.4322dup on transcript NM_001378778.1 (MANE Select); coding-DNA position 4322, one base duplicated (T; older notation c.4322dupT).
Protein change: p.Cys1442fs; shifts the reading frame from cysteine 1442.
Molecular consequence: frameshift variant.
Genome position (GRCh38, 1-based): chr9:13,136,153, A duplicated on the plus strand (T on the coding strand, the reverse complement: MPDZ is on the minus strand). VCF-style (leftmost placement, unchanged base first): chr9-13136152-T-TA. GRCh37 (hg19) VCF-style: chr9-13136151-T-TA.
Other names: c.4112dup, p.Cys1372fs (NM_001375423.1, NM_001375424.1, NM_001375425.1 and 4 more transcripts); c.3914dup, p.Cys1306fs (NM_001375427.1); c.4322dup, p.Cys1442fs (NM_003829.5, NM_001330637.2, NM_001375413.1); c.4223dup, p.Cys1409fs (NM_001375416.1, NM_001375417.1, NM_001375418.1 and 3 more transcripts); short protein forms C1442fs, C1409fs, C1306fs, C1372fs.
Identifiers: ClinVar variation 3723173 (VCV003723173.2).

ClinVar aggregate classification (germline): Pathogenic (1 of 4 stars; one submission).

Submission:

Labcorp Genetics (formerly Invitae), Labcorp
Classification: Pathogenic. Last evaluated: 2024-10-17. Review status: criteria provided, single submitter. Criteria: Invitae Variant Classification Sherloc (09022015). Collection method: clinical testing. Allele origin: germline.
Comment: This sequence change creates a premature translational stop signal (p.Cys1442Metfs*12) in the MPDZ gene. It is expected to result in an absent or disrupted protein product. Loss-of-function variants in MPDZ are known to be pathogenic (PMID: 23240096, 28556411). This variant is not present in population databases (gnomAD no frequency). This variant has not been reported in the literature in individuals affected with MPDZ-related conditions. For these reasons, this variant has been classified as Pathogenic.

Literature cited by the submitters: PubMed 23240096; PubMed 28556411.